The following is an entry in ClinVar:

ClinVar aggregate classification (germline): Uncertain significance (1 of 4 stars; one submission).

Submission:

GeneDx
Classification: Uncertain significance. Last evaluated: 2025-07-31. Review status: criteria provided, single submitter. Criteria: GeneDx Variant Classification Process June 2021. Collection method: clinical testing. Allele origin: germline. Affected: yes.
Comment: Not observed at significant frequency in large population cohorts (gnomAD); In silico analysis supports that this missense variant has a deleterious effect on protein structure/function; Has not been previously published as pathogenic or benign to our knowledge

NM_007118.4(TRIO):c.1689T>G (p.His563Gln)

Gene: TRIO (trio Rho guanine nucleotide exchange factor; plus strand). Cytogenetic location: 5p15.2.
Variant type: single nucleotide variant.
Coding change: c.1689T>G on transcript NM_007118.4 (MANE Select); coding-DNA position 1689, T replaced by G.
Protein change: p.His563Gln; replaces histidine 563 with glutamine.
Molecular consequence: missense variant. On other transcripts: non-coding transcript variant (1).
Genome position (GRCh38, 1-based): chr5:14,316,701, T>G. VCF-style: chr5-14316701-T-G. GRCh37 (hg19) VCF-style: chr5-14316810-T-G.
Other names: short protein forms H563Q.
Identifiers: ClinVar variation 4755800 (VCV004755800.1).